The following is an entry in ClinVar:

ClinVar aggregate classification (germline): Uncertain significance. Review status: criteria provided, multiple submitters, no conflicts (2 of 4 stars). 4 submissions from 4 submitters: Uncertain significance (4). Last evaluated 2025-12-03.

Conditions:
MIRAGE syndrome. Also called: MYELODYSPLASIA, INFECTION, RESTRICTION OF GROWTH, ADRENAL HYPOPLASIA, GENITAL PHENOTYPES, AND ENTEROPATHY. Identifiers: Orphanet 494433, MedGen C4284088, MONDO:0014888, OMIM 617053.
Inborn genetic diseases. Identifiers: MedGen C0950123, MeSH D030342.

Allele frequency attached by ClinVar (database versions not stated): gnomAD exomes 0.00001; ExAC 0.00003; gnomAD 0.00006; TOPMed 0.00011; ESP Exome Variant Server 0.00015; 1000 Genomes Project 0.00020; 1000 Genomes Project 30x 0.00031.
gnomAD v4.1: 34 of 1,613,372 alleles (0.0021%); highest among the groups gnomAD compares: African/African-American, 0.019%; no homozygotes.

Submissions (4):

Labcorp Genetics (formerly Invitae), Labcorp
Classification: Uncertain significance. Last evaluated: 2025-12-03. Review status: criteria provided, single submitter. Criteria: Invitae Variant Classification Sherloc (09022015). Collection method: clinical testing. Allele origin: germline.
Comment: This sequence change replaces phenylalanine, which is neutral and non-polar, with cysteine, which is neutral and slightly polar, at codon 882 of the SAMD9 protein (p.Phe882Cys). This variant is present in population databases (rs199922969, gnomAD 0.03%). This variant has not been reported in the literature in individuals affected with SAMD9-related conditions. ClinVar contains an entry for this variant (Variation ID: 1710957). Invitae Evidence Modeling of protein sequence and biophysical properties (such as structural, functional, and spatial information, amino acid conservation, physicochemical variation, residue mobility, and thermodynamic stability) has been performed for this missense variant. However, the output from this modeling did not meet the statistical confidence thresholds required to predict the impact of this variant on SAMD9 protein function. In summary, the available evidence is currently insufficient to determine the role of this variant in disease. Therefore, it has been classified as a Variant of Uncertain Significance.

Ambry Genetics
Classification: Uncertain significance for Inborn genetic diseases. Last evaluated: 2025-08-08. Review status: criteria provided, single submitter. Criteria: Ambry Variant Classification Scheme 2023. Collection method: clinical testing. Allele origin: germline.

GeneDx
Classification: Uncertain significance. Last evaluated: 2024-07-07. Review status: criteria provided, single submitter. Criteria: GeneDx Variant Classification Process June 2021. Collection method: clinical testing. Allele origin: germline. Affected: yes.
Comment: In silico analysis supports that this missense variant has a deleterious effect on protein structure/function; Has not been previously published as pathogenic or benign to our knowledge; This variant is associated with the following publications: (PMID: 28545555)

St. Jude Molecular Pathology, St. Jude Children's Research Hospital
Classification: Uncertain significance for MIRAGE syndrome. Last evaluated: 2022-07-07. Review status: criteria provided, single submitter. Criteria: St. Jude Assertion Criteria 2020. Collection method: clinical testing. Allele origin: germline.
Comment: The SAMD9 c.2645T>G (p.Phe882Cys) missense change has a maximum subpopulation frequency of 0.024% in gnomAD v2.1.1. The in silico tool REVEL is inconclusive about a pathogenic or benign effect of this variant on protein function, however in silico predictions have not been found to correlate with syndromic risk for SAMD9 variants and are thus not considered supporting evidence of a pathogenic or benign effect (PMID: 34621053). To our knowledge, this variant has not been reported in individuals with SAMD9-associated conditions. In summary, the evidence currently available is insufficient to determine the clinical significance of this variant. It has therefore been classified as of uncertain significance.

NM_017654.4(SAMD9):c.2645T>G (p.Phe882Cys)

Gene: SAMD9 (sterile alpha motif domain containing 9; minus strand). Cytogenetic location: 7q21.2.
Variant type: single nucleotide variant.
Coding change: c.2645T>G on transcript NM_017654.4 (MANE Select); coding-DNA position 2645, T replaced by G.
Protein change: p.Phe882Cys; replaces phenylalanine 882 with cysteine.
Molecular consequence: missense variant.
Genome position (GRCh38, 1-based): chr7:93,103,453, A>C on the plus strand (T>G on the coding strand, the complement: SAMD9 is on the minus strand). VCF-style: chr7-93103453-A-C. GRCh37 (hg19) VCF-style: chr7-92732766-A-C.
Other names: c.2645T>G, p.Phe882Cys (NM_001193307.2); short protein forms F882C.
Identifiers: ClinVar variation 1710957 (VCV001710957.8), dbSNP rs199922969, ClinGen allele CA4342805.